The following is an entry in ClinVar:

ClinVar aggregate classification (germline): Uncertain significance (1 of 4 stars; one submission).

gnomAD v4.1: 2 of 1,548,112 alleles (0.00013%); highest among the groups gnomAD compares: Admixed American, 0.002%; no homozygotes.

Submission:

Labcorp Genetics (formerly Invitae), Labcorp
Classification: Uncertain significance. Last evaluated: 2025-09-03. Review status: criteria provided, single submitter. Criteria: Invitae Variant Classification Sherloc (09022015). Collection method: clinical testing. Allele origin: germline.
Comment: This sequence change replaces glycine, which is neutral and non-polar, with serine, which is neutral and polar, at codon 113 of the TCIRG1 protein (p.Gly113Ser). This variant is present in population databases (no rsID available, gnomAD 0.02%). This variant has not been reported in the literature in individuals affected with TCIRG1-related conditions. Invitae Evidence Modeling of protein sequence and biophysical properties (such as structural, functional, and spatial information, amino acid conservation, physicochemical variation, residue mobility, and thermodynamic stability) indicates that this missense variant is not expected to disrupt TCIRG1 protein function with a negative predictive value of 80%. In summary, the available evidence is currently insufficient to determine the role of this variant in disease. Therefore, it has been classified as a Variant of Uncertain Significance.

NM_006019.4(TCIRG1):c.337G>A (p.Gly113Ser)

Gene: TCIRG1 (T cell immune regulator 1, ATPase H+ transporting V0 subunit a3; plus strand). Cytogenetic location: 11q13.2.
Variant type: single nucleotide variant.
Coding change: c.337G>A on transcript NM_006019.4 (MANE Select); coding-DNA position 337, G replaced by A.
Protein change: p.Gly113Ser; replaces glycine 113 with serine.
Molecular consequence: missense variant. On other transcripts: 5 prime UTR variant (1), intron variant (1).
Genome position (GRCh38, 1-based): chr11:68,042,783, G>A. VCF-style: chr11-68042783-G-A. GRCh37 (hg19) VCF-style: chr11-67810250-G-A.
Other names: c.-913G>A (NM_001351059.2); c.337G>A, p.Gly113Ser (NM_001440552.1, NM_001440553.1, NM_001440554.1 and 9 more transcripts); c.295G>A, p.Gly99Ser (NM_001440555.1, NM_001440556.1, NM_001440563.1 and 2 more transcripts); c.118-163G>A (NM_001440565.1); short protein forms G99S, G113S.
Identifiers: ClinVar variation 4707179 (VCV004707179.1).